The following is an entry in ClinVar:

NC_000023.10:g.(?_18626911)_(18643387_?)del

Gene: CDKL5 (cyclin dependent kinase like 5; plus strand). Cytogenetic location: Xp22.13.
Variant type: Deletion.
Identifiers: ClinVar variation 3244271 (VCV003244271.1).

ClinVar aggregate classification (germline): Pathogenic (1 of 4 stars; one submission).

Conditions:
Angelman syndrome-like. Identifiers: MedGen CN128785.
Developmental and epileptic encephalopathy, 2 (DEE2). Also called: INFANTILE SPASM SYNDROME, X-LINKED 2; CDKL5 deficiency disorder. Identifiers: Orphanet 1934, Orphanet 3451, Orphanet 505652, MedGen C4750718, MONDO:0010396, OMIM 300672.

Submission:

Labcorp Genetics (formerly Invitae), Labcorp
Classification: Pathogenic for Developmental and epileptic encephalopathy, 2; Angelman syndrome-like. Last evaluated: 2023-06-20. Review status: criteria provided, single submitter. Criteria: Invitae Variant Classification Sherloc (09022015). Collection method: clinical testing. Allele origin: unknown.
Comment: For these reasons, this variant has been classified as Pathogenic. Experimental studies and prediction algorithms are not available or were not evaluated, and the functional significance of this variant is currently unknown. A similar copy number variant has been observed in individual(s) with clinical features of CDKL5-related conditions (Invitae). In at least one individual the variant was observed to be de novo. This variant is a gross deletion of the genomic region encompassing exon(s) 13-17 of the CDKL5 gene. This variant would be expected to be in-frame, preserving the integrity of the reading frame.